The following is an entry in ClinVar:

NM_000489.6(ATRX):c.5188G>A (p.Ala1730Thr)

Gene: ATRX (ATRX chromatin remodeler; minus strand). Cytogenetic location: Xq21.1.
Variant type: single nucleotide variant.
Coding change: c.5188G>A on transcript NM_000489.6 (MANE Select); coding-DNA position 5188, G replaced by A.
Protein change: p.Ala1730Thr; replaces alanine 1730 with threonine.
Molecular consequence: missense variant.
Genome position (GRCh38, 1-based): chrX:77,620,479, C>T on the plus strand (G>A on the coding strand, the complement: ATRX is on the minus strand). VCF-style: chrX-77620479-C-T. GRCh37 (hg19) VCF-style: chrX-76875947-C-T.
Other names: c.5074G>A, p.Ala1692Thr (NM_138270.5); short protein forms A1730T, A1692T.
Identifiers: ClinVar variation 5000390 (VCV005000390.1).
Genomic context (GRCh38, chrX:77,620,479, plus strand): 5'-GTGTTCCTGTTAAAATAATCCTCCTCCTTGATCGTATAGAATTCATAGCTTTAGAAACAG[C>T]AGATGCTTCATTTTTTAGAATATGGCCTTCATCACAAACAACAAAATCAGGGCCTACAAA-3'
Protein context (NP_000480.3, residues 1720-1740): EGHILKNEAS[Ala1730Thr]VSKAMNSIRS

ClinVar aggregate classification (germline): Uncertain significance (1 of 4 stars; one submission).

Conditions:
ATRX-related disorder. Also called: ATRX-related condition.

Submission:

PreventionGenetics, part of Exact Sciences
Classification: Uncertain significance for ATRX-related condition. Last evaluated: 2025-05-02. Review status: criteria provided, single submitter. Criteria: ACMG Guidelines, 2015. Collection method: clinical testing. Allele origin: germline.
Comment: The ATRX c.5188G>A variant is predicted to result in the amino acid substitution p.Ala1730Thr. To our knowledge, this variant has not been reported in the literature or in a large population database (gnomAD), indicating this variant is rare. At the time of reporting this variant is absent in ClinVar. At this time, the clinical significance of this variant is uncertain due to the absence of conclusive functional and genetic evidence.